The following is an entry in ClinVar:

NM_000433.4(NCF2):c.366+1G>C

Gene: NCF2 (neutrophil cytosolic factor 2; minus strand). Cytogenetic location: 1q25.3.
Variant type: single nucleotide variant.
Coding change: c.366+1G>C on transcript NM_000433.4 (MANE Select); the canonical splice donor site of the intron after coding-DNA position 366, G replaced by C.
Molecular consequence: splice donor variant.
Genome position (GRCh38, 1-based): chr1:183,577,598, C>G on the plus strand (G>C on the coding strand, the complement: NCF2 is on the minus strand). VCF-style: chr1-183577598-C-G. GRCh37 (hg19) VCF-style: chr1-183546733-C-G.
Other names: c.366+1G>C (NM_001410895.1, NM_001127651.3, NM_001190789.2 and 1 more transcripts).
Identifiers: ClinVar variation 372772 (VCV000372772.2), dbSNP rs796065032, ClinGen allele CA16042315.

ClinVar aggregate classification (germline): Pathogenic (1 of 4 stars; one submission).

Allele frequency attached by ClinVar (database versions not stated): gnomAD exomes below 0.00001.

Submission:

GeneDx
Classification: Pathogenic. Last evaluated: 2016-11-03. Review status: criteria provided, single submitter. Criteria: GeneDx Variant Classification (06012015). Collection method: clinical testing. Allele origin: germline. Affected: yes.
Comment: The c.366+1 G>C splice site variant in the NCF2 gene has been previously reported as intron 4+1 G>C using alternate nomenclature in association with CGD (KÃ¶ker et al., 2013). This variant destroys the canonical splice donor site in intron 3, and is expected to cause abnormal gene splicing. The variant was not observed in approximately 6,500 individuals of European and African American ancestry in the NHLBI Exome Sequencing Project, indicating it is not a common benign variant in these populations. Therefore, we consider this variant to be pathogenic.